The following is an entry in ClinVar:

ClinVar aggregate classification (germline): Likely benign (1 of 4 stars; one submission).

Submission:

CeGaT Center for Human Genetics Tuebingen
Classification: Likely benign. Last evaluated: 2025-03-01. Review status: criteria provided, single submitter. Criteria: CeGaT Center For Human Genetics Tuebingen Variant Classification Criteria Version 2. Collection method: clinical testing. Allele origin: germline. Affected: yes. Observed: 1 variant allele.
Comment: MYH9: PM2:Supporting, BP4, BP7

NM_002473.6(MYH9):c.603G>A (p.Lys201=)

Gene: MYH9 (myosin heavy chain 9; minus strand). Cytogenetic location: 22q12.3.
Variant type: single nucleotide variant.
Coding change: c.603G>A on transcript NM_002473.6 (MANE Select); coding-DNA position 603, G replaced by A.
Protein change: p.Lys201=; no amino-acid change (lysine 201 retained).
Molecular consequence: synonymous variant.
Genome position (GRCh38, 1-based): chr22:36,326,577, C>T on the plus strand (G>A on the coding strand, the complement: MYH9 is on the minus strand). VCF-style: chr22-36326577-C-T. GRCh37 (hg19) VCF-style: chr22-36722622-C-T.
Identifiers: ClinVar variation 3778614 (VCV003778614.7).